The following is an entry in ClinVar:

ClinVar aggregate classification (germline): Uncertain significance (1 of 4 stars; one submission).

Conditions:
Hereditary cancer-predisposing syndrome. Also called: Hereditary Cancer Syndrome; Neoplastic Syndromes, Hereditary; Tumor predisposition; Hereditary neoplastic syndrome. Identifiers: Orphanet 140162, MedGen C0027672, MeSH D009386, MONDO:0015356.

Submission:

Ambry Genetics
Classification: Uncertain significance for Hereditary cancer-predisposing syndrome. Last evaluated: 2026-09-02. Review status: criteria provided, single submitter. Criteria: Ambry Variant Classification Scheme 2023. Collection method: clinical testing. Allele origin: germline.
Comment: The c.1380_1381delGGinsTT variant (also known as p.D461Y), located in coding exon 12 of the CHEK2 gene, results from an in-frame deletion of GG and insertion of TT at nucleotide positions 1380 to 1381. This results in the substitution of the aspartic acid residue for a tyrosine residue at codon 461, an amino acid with highly dissimilar properties. This amino acid position is highly conserved in available vertebrate species. In addition, this alteration is predicted to be deleterious by in silico analysis. Based on the available evidence, the clinical significance of this variant remains unclear.

NM_007194.4(CHEK2):c.1380_1381delinsTT (p.Asp461Tyr)

Gene: CHEK2 (checkpoint kinase 2; minus strand). Cytogenetic location: 22q12.1.
Variant type: Indel.
Coding change: c.1380_1381delinsTT on transcript NM_007194.4 (MANE Select); coding-DNA positions 1380 to 1381, GG replaced by TT.
Protein change: p.Asp461Tyr; replaces aspartic acid 461 with tyrosine.
Molecular consequence: missense variant.
Genome position (GRCh38, 1-based): chr22:28,694,112-28,694,113, CC replaced by AA on the plus strand (GG replaced by TT on the coding strand, the reverse complement: CHEK2 is on the minus strand). VCF-style: chr22-28694112-CC-AA. GRCh37 (hg19) VCF-style: chr22-29090100-CC-AA.
Other names: c.1179_1180delinsTT, p.Asp394Tyr (NM_001349956.3); c.717_718delinsTT, p.Asp240Tyr (NM_001437942.1, NM_001257387.3); c.1473_1474delinsTT, p.Asp492Tyr (NM_001438293.1); c.1422_1423delinsTT, p.Asp475Tyr (NM_001438294.1); c.1386_1387delinsTT, p.Asp463Tyr (NM_001438295.1); c.1293_1294delinsTT, p.Asp432Tyr (NM_145862.3); c.1509_1510delinsTT, p.Asp504Tyr (NM_001005735.3); short protein forms D461Y, D492Y, D240Y, D432Y, D463Y, D475Y, D394Y, D504Y.
Identifiers: ClinVar variation 5034566 (VCV005034566.1).